The following is an entry in ClinVar:

NM_177438.3(DICER1):c.4168G>C (p.Asp1390His)

Gene: DICER1 (dicer 1, ribonuclease III; minus strand). Cytogenetic location: 14q32.13.
Variant type: single nucleotide variant.
Coding change: c.4168G>C on transcript NM_177438.3 (MANE Select); coding-DNA position 4168, G replaced by C.
Protein change: p.Asp1390His; replaces aspartic acid 1390 with histidine.
Molecular consequence: missense variant.
Genome position (GRCh38, 1-based): chr14:95,099,818, C>G on the plus strand (G>C on the coding strand, the complement: DICER1 is on the minus strand). VCF-style: chr14-95099818-C-G. GRCh37 (hg19) VCF-style: chr14-95566155-C-G.
Other names: c.4168G>C, p.Asp1390His (NM_001271282.3, NM_001291628.2, NM_030621.4 and 1 more transcripts); short protein forms D1390H.
Identifiers: ClinVar variation 1498216 (VCV001498216.8), dbSNP rs2139901367, ClinGen allele CA390871851.

ClinVar aggregate classification (germline): Uncertain significance. Review status: criteria provided, multiple submitters, no conflicts (2 of 4 stars). 3 submissions from 3 submitters: Uncertain significance (3). Last evaluated 2025-03-31.

Conditions:
DICER1-related tumor predisposition. Also called: DICER1 syndrome; DICER1-related pleuropulmonary blastoma cancer predisposition syndrome. Identifiers: Orphanet 284343, MedGen C3839822, MONDO:0100216.
Hereditary cancer-predisposing syndrome. Also called: Tumor predisposition; Hereditary neoplastic syndrome; Neoplastic Syndromes, Hereditary; Hereditary Cancer Syndrome. Identifiers: Orphanet 140162, MedGen C0027672, MeSH D009386, MONDO:0015356.

Allele frequency attached by ClinVar (database versions not stated): gnomAD exomes below 0.00001.
gnomAD v4.1: 1 of 1,613,304 alleles (0.000062%); highest among the groups gnomAD compares: Non-Finnish European, 0.000085%; no homozygotes.

Submissions (3):

Ambry Genetics
Classification: Uncertain significance for Hereditary cancer-predisposing syndrome. Last evaluated: 2025-03-31. Review status: criteria provided, single submitter. Criteria: Ambry Variant Classification Scheme 2023. Collection method: clinical testing. Allele origin: germline.
Comment: The p.D1390H variant (also known as c.4168G>C), located in coding exon 21 of the DICER1 gene, results from a G to C substitution at nucleotide position 4168. The aspartic acid at codon 1390 is replaced by histidine, an amino acid with similar properties. This amino acid position is highly conserved in available vertebrate species. In addition, this alteration is predicted to be deleterious by in silico analysis. Based on the available evidence, the clinical significance of this variant remains unclear.

Labcorp Genetics (formerly Invitae), Labcorp
Classification: Uncertain significance for DICER1-related tumor predisposition. Last evaluated: 2025-01-28. Review status: criteria provided, single submitter. Criteria: Invitae Variant Classification Sherloc (09022015). Collection method: clinical testing. Allele origin: germline.
Comment: This sequence change replaces aspartic acid, which is acidic and polar, with histidine, which is basic and polar, at codon 1390 of the DICER1 protein (p.Asp1390His). This variant is not present in population databases (gnomAD no frequency). This missense change has been observed in individual(s) with ovarian cancer (PMID: 30672147). ClinVar contains an entry for this variant (Variation ID: 1498216). Invitae Evidence Modeling of protein sequence and biophysical properties (such as structural, functional, and spatial information, amino acid conservation, physicochemical variation, residue mobility, and thermodynamic stability) indicates that this missense variant is not expected to disrupt DICER1 protein function with a negative predictive value of 95%. In summary, the available evidence is currently insufficient to determine the role of this variant in disease. Therefore, it has been classified as a Variant of Uncertain Significance.

Sema4
Classification: Uncertain significance for Hereditary cancer-predisposing syndrome. Last evaluated: 2021-07-13. Review status: criteria provided, single submitter. Criteria: Sema4 Curation Guidelines. Collection method: curation. Allele origin: germline.
Comment: The DICER1 c.4168G>C (p.D1390H) variant has been reported in at least one individual with an ovarian cystadenocarcinoma (PMID: 30672147). It was not observed in the large and broad cohorts of the Genome Aggregation Database (PMID: 32461654), nor has it been reported in ClinVar. This variant involves a highly conserved amino acid, and computational analyses do not provide strong support for or against an impact to the protein. The evidence is insufficient to meet ACMG/AMP criteria for classifying the variant as benign or pathogenic. Thus, the clinical significance of this variant is currently uncertain.

Literature cited by the submitters: PubMed 30672147 (cited by Labcorp Genetics (formerly Invitae), Labcorp and Sema4).